The following is an entry in ClinVar:

NM_001458.5(FLNC):c.8178A>G (p.Ter2726Trp)

Genes: FLNC (filamin C; plus strand), FLNC-AS1 (FLNC antisense RNA 1; minus strand). Cytogenetic location: 7q32.1.
Variant type: single nucleotide variant.
Coding change: c.8178A>G on transcript NM_001458.5 (MANE Select); coding-DNA position 8178, A replaced by G.
Protein change: p.Ter2726Trp.
Molecular consequence: stop lost.
Genome position (GRCh38, 1-based): chr7:128,858,523, A>G. VCF-style: chr7-128858523-A-G. GRCh37 (hg19) VCF-style: chr7-128498577-A-G.
Other names: *2726W; *2693W; c.8079A>G, p.Ter2693Trp (NM_001127487.2).
Identifiers: ClinVar variation 573844 (VCV000573844.9), dbSNP rs1563006225, ClinGen allele CA369222305.

ClinVar aggregate classification (germline): Uncertain significance (1 of 4 stars; one submission).

Conditions:
Myofibrillar myopathy 5. Also called: FILAMINOPATHY, AUTOSOMAL DOMINANT; Filaminopathy (type). Identifiers: Orphanet 171445, MedGen C1836050, MONDO:0012289, OMIM 609524.
Hypertrophic cardiomyopathy 26. Also called: Cardiomyopathy, familial hypertrophic, 26. Identifiers: Orphanet 75249, MedGen C4310749, MONDO:0014883, OMIM 617047.
Distal myopathy with posterior leg and anterior hand involvement. Also called: WILLIAMS DISTAL MYOPATHY. Identifiers: Orphanet 63273, MedGen C3279722, MONDO:0013550, OMIM 614065.

Submission:

Labcorp Genetics (formerly Invitae), Labcorp
Classification: Uncertain significance for Distal myopathy with posterior leg and anterior hand involvement; Myofibrillar myopathy 5; Hypertrophic cardiomyopathy 26. Last evaluated: 2018-04-11. Review status: criteria provided, single submitter. Criteria: Invitae Variant Classification Sherloc (09022015). Collection method: clinical testing. Allele origin: germline.
Comment: Experimental studies and prediction algorithms are not available for this variant, and the functional significance of the extended amino acids is currently unknown. In summary, the available evidence is currently insufficient to determine the role of this variant in disease. Therefore, it has been classified as a Variant of Uncertain Significance. This variant has not been reported in the literature in individuals with FLNC-related disease. This variant is not present in population databases (ExAC no frequency). This sequence change disrupts the translational stop signal of the FLNC mRNA. It is expected to extend the length of the FLNC protein by 47 additional amino acid residues.